The following is an entry in ClinVar:

ClinVar aggregate classification (germline): Pathogenic. Review status: reviewed by expert panel (3 of 4 stars). 4 submissions from 4 submitters: Pathogenic (1). 3 of the submissions do not count toward it. Last evaluated 2016-10-18.

Conditions:
Breast-ovarian cancer, familial, susceptibility to, 2 (BROVCA2). Also called: BRCA2 Hereditary Breast and Ovarian Cancer. Identifiers: Orphanet 145, MedGen C2675520, MONDO:0012933, OMIM 612555. Disease mechanism: loss of function.

Submissions (4):

Evidence-based Network for the Interpretation of Germline Mutant Alleles (ENIGMA)
Classification: Pathogenic for Breast-ovarian cancer, familial, susceptibility to, 2. Last evaluated: 2016-10-18. Review status: reviewed by expert panel. Criteria: ENIGMA BRCA1/2 Classification Criteria (2015). Collection method: curation. Allele origin: germline.
Comment: Variant allele predicted to encode a truncated non-functional protein.

Revvity Omics, Revvity
Classification: Pathogenic. Last evaluated: 2025-01-17. Review status: criteria provided, single submitter. Criteria: ACMG Guidelines, 2015. Collection method: clinical testing. Allele origin: germline. Not counted in ClinVar's aggregate classification.

Consortium of Investigators of Modifiers of BRCA1/2 (CIMBA), c/o University of Cambridge
Classification: Pathogenic for Breast-ovarian cancer, familial, susceptibility to, 2. Last evaluated: 2015-10-02. Review status: criteria provided, single submitter. Criteria: CIMBA Mutation Classification guidelines May 2016. Collection method: clinical testing. Allele origin: germline. Not counted in ClinVar's aggregate classification.

Juno Genomics, Hangzhou Juno Genomics, Inc
Classification: Pathogenic for Breast-ovarian cancer, familial, susceptibility to, 2. Review status: criteria provided, single submitter. Criteria: ACMG Guidelines, 2015. Collection method: clinical testing. Allele origin: germline. Not counted in ClinVar's aggregate classification.
Comment: Absent from controls (or at extremely low frequency if recessive) in Genome Aggregation Database.;Null variant in a gene where loss of function (LOF) is a known mechanism of disease.;Novel missense change at an amino acid residue where a different missense change determined to be pathogenic has been seen before.

NM_000059.4(BRCA2):c.5699C>A (p.Ser1900Ter)

Gene: BRCA2 (BRCA2 DNA repair associated; plus strand). Cytogenetic location: 13q13.1.
Variant type: single nucleotide variant.
Coding change: c.5699C>A on transcript NM_000059.4 (MANE Select); coding-DNA position 5699, C replaced by A.
Protein change: p.Ser1900Ter; replaces serine 1900 with a stop codon.
Molecular consequence: nonsense.
Genome position (GRCh38, 1-based): chr13:32,340,054, C>A. VCF-style: chr13-32340054-C-A. GRCh37 (hg19) VCF-style: chr13-32914191-C-A.
Other names: 5927C>A-Ser1900ter; short protein forms S1900*.
Identifiers: ClinVar variation 51910 (VCV000051910.10), dbSNP rs397507797, ClinGen allele CA023001.